The following is an entry in ClinVar:

ClinVar aggregate classification (germline): Pathogenic (1 of 4 stars; one submission).

Conditions:
Combined immunodeficiency due to DOCK8 deficiency (HIES2). Also called: HIES autosomal recessive; HYPER-IgE RECURRENT INFECTION SYNDROME 2, AUTOSOMAL RECESSIVE; HYPER-IgE SYNDROME 2, AUTOSOMAL RECESSIVE, WITH RECURRENT INFECTIONS; DOCK8 Deficiency; Hyper-IgE recurrent infection syndrome, autosomal recessive. Identifiers: Orphanet 217390, MedGen C4722305, MONDO:0009478, OMIM 243700.

Submission:

Labcorp Genetics (formerly Invitae), Labcorp
Classification: Pathogenic for Combined immunodeficiency due to DOCK8 deficiency. Last evaluated: 2022-08-27. Review status: criteria provided, single submitter. Criteria: Invitae Variant Classification Sherloc (09022015). Collection method: clinical testing. Allele origin: germline.
Comment: This sequence change creates a premature translational stop signal (p.Tyr491*) in the DOCK8 gene. It is expected to result in an absent or disrupted protein product. Loss-of-function variants in DOCK8 are known to be pathogenic (PMID: 14722525, 19776401). This variant is not present in population databases (gnomAD no frequency). This variant has not been reported in the literature in individuals affected with DOCK8-related conditions. For these reasons, this variant has been classified as Pathogenic.

Literature cited by the submitters: PubMed 14722525; PubMed 19776401.

NM_203447.4(DOCK8):c.1473del (p.Asp490_Tyr491insTer)

Gene: DOCK8 (dedicator of cytokinesis 8; plus strand). Cytogenetic location: 9p24.3.
Variant type: Deletion.
Coding change: c.1473del on transcript NM_203447.4 (MANE Select); coding-DNA position 1473, one base deleted (C; older notation c.1473delC).
Protein change: p.Asp490_Tyr491insTer.
Molecular consequence: nonsense.
Genome position (GRCh38, 1-based): chr9:339,056, C deleted. VCF-style (leftmost placement, unchanged base first): chr9-339055-AC-A. GRCh37 (hg19) VCF-style: chr9-339055-AC-A.
Other names: c.1269del, p.Asp422_Tyr423insTer (NM_001190458.2, NM_001193536.2).
Identifiers: ClinVar variation 2027509 (VCV002027509.4), dbSNP rs2538012993, ClinGen allele CA2580080162.
Genomic context (GRCh38, chr9:339,055, plus strand): 5'-TCTCTTGGCAGGAAGGAGATCGCCTTAGCGATGAAGACTTATTCAAGTTTTTAGCTGACT[AC>A]AAAAGATCATCATCCTTACAGAGACGAGTCAAGTCAATTCCAGGTGTGAATGACTTATCT-3'